The following is an entry in ClinVar:

ClinVar aggregate classification (germline): Pathogenic (1 of 4 stars; one submission).

Submission:

Quest Diagnostics Nichols Institute San Juan Capistrano
Classification: Pathogenic. Last evaluated: 2022-06-15. Review status: criteria provided, single submitter. Criteria: ACMG/ClinGen CNV Guidelines, 2019. Collection method: clinical testing. Allele origin: unknown.
Comment: The 16p12.2 deletion is associated with chromosome 16p12 deletion syndrome (OMIM 136570) (Girirajan et al. GeneReviews 2015. PMID: 25719193). Patients with deletions at this region have spectrum of variable clinical phenotypes including learning disability, developmental delay/intellectual disability, speech delay, psychiatric and behavioral abnormalities, craniofacial and skeletal abnormalities, congenital heart defects, and seizure (Coe et al., Nat Genet. 2014;46(10):1063?1071.PMID: 25217958; Antonacci, et al., Nat Genet. 2010 September; 42(9): 745-750, PMID: 20729854; Girirajan et al., Nature Genet. 42: 203-209, 2010, PMID: 20154674). The majority (about 95%) of patients have inherited the microdeletion from a parent who may or may not have clinical features related to the microdeletion, due to incomplete penetrance.

GRCh37/hg19 16p12.2(chr16:21761405-22710614)x1

Genes: CDR2 (cerebellar degeneration related protein 2), EEF2K (eukaryotic elongation factor 2 kinase), MOSMO (modulator of smoothened), NPIPB4 (nuclear pore complex interacting protein family member B4), NPIPB5 (nuclear pore complex interacting protein family member B5) and 6 more. Cytogenetic location: 16p12.2.
Variant type: copy number loss.
Change: copy number 1 (one copy instead of two) of chr16:21,761,405-22,710,614 (949.2 kb, GRCh37 coordinates, 1-based), cytogenetic band 16p12.2.
Identifiers: ClinVar variation 1808703 (VCV001808703.1).